The following is an entry in ClinVar:

NM_004364.5(CEBPA):c.377G>C (p.Gly126Ala)

Gene: CEBPA (CCAAT enhancer binding protein alpha; minus strand). Cytogenetic location: 19q13.11.
Variant type: single nucleotide variant.
Coding change: c.377G>C on transcript NM_004364.5 (MANE Select); coding-DNA position 377, G replaced by C.
Protein change: p.Gly126Ala; replaces glycine 126 with alanine.
Molecular consequence: missense variant.
Genome position (GRCh38, 1-based): chr19:33,302,038, C>G on the plus strand (G>C on the coding strand, the complement: CEBPA is on the minus strand). VCF-style: chr19-33302038-C-G. GRCh37 (hg19) VCF-style: chr19-33792944-C-G.
Other names: c.377G>C (NM_004364.3); c.20G>C, p.Gly7Ala (NM_001285829.2); c.482G>C, p.Gly161Ala (NM_001287424.2); c.335G>C, p.Gly112Ala (NM_001287435.2); short protein forms G126A, G161A, G7A, G112A.
Identifiers: ClinVar variation 1348629 (VCV001348629.9), dbSNP rs2145262546, ClinGen allele CA405275079.

ClinVar aggregate classification (germline): Uncertain significance. Review status: criteria provided, multiple submitters, no conflicts (2 of 4 stars). 2 submissions from 2 submitters: Uncertain significance (2). Last evaluated 2025-05-24.

Conditions:
Inborn genetic diseases. Identifiers: MedGen C0950123, MeSH D030342.
Acute myeloid leukemia (AML). Also called: Leukemia, acute myeloid, somatic; Leukemia, acute myelogenous, somatic; Acute myeloid leukemia, adult; AML adult; Acute non-lymphocytic leukemia; Acute granulocytic leukemia. Identifiers: Orphanet 519, MedGen C0023467, MeSH D015470, MONDO:0018874, OMIM 601626, HP:0004808. Disease mechanism: Constitutively activated FLT3.

Allele frequency attached by ClinVar (database versions not stated): gnomAD exomes 0.00001.

Submissions (2):

Ambry Genetics
Classification: Uncertain significance for Inborn genetic diseases. Last evaluated: 2025-05-24. Review status: criteria provided, single submitter. Criteria: Ambry Variant Classification Scheme 2023. Collection method: clinical testing. Allele origin: germline.
Comment: The p.G126A variant (also known as c.377G>C), located in coding exon 1 of the CEBPA gene, results from a G to C substitution at nucleotide position 377. The glycine at codon 126 is replaced by alanine, an amino acid with similar properties. This amino acid position is conserved. In addition, this alteration is predicted to be tolerated by in silico analysis. Based on the available evidence, the clinical significance of this variant remains unclear.

Labcorp Genetics (formerly Invitae), Labcorp
Classification: Uncertain significance for Acute myeloid leukemia. Last evaluated: 2022-01-20. Review status: criteria provided, single submitter. Criteria: Invitae Variant Classification Sherloc (09022015). Collection method: clinical testing. Allele origin: germline.
Comment: This variant has not been reported in the literature in individuals affected with CEBPA-related conditions. The frequency data for this variant in the population databases is considered unreliable, as metrics indicate insufficient coverage at this position in the gnomAD database. This sequence change replaces glycine, which is neutral and non-polar, with alanine, which is neutral and non-polar, at codon 126 of the CEBPA protein (p.Gly126Ala). Algorithms developed to predict the effect of missense changes on protein structure and function (SIFT, PolyPhen-2, Align-GVGD) all suggest that this variant is likely to be tolerated. In summary, the available evidence is currently insufficient to determine the role of this variant in disease. Therefore, it has been classified as a Variant of Uncertain Significance.